The following is an entry in ClinVar:

ClinVar aggregate classification (germline): Likely pathogenic (1 of 4 stars; one submission).

Conditions:
Supravalvar aortic stenosis (SVAS). Also called: Supravalvar aortic stenosis, Eisenberg type. Identifiers: Orphanet 3193, MedGen C0003499, MONDO:0008504, OMIM 185500, HP:0004381.

Submission:

Labcorp Genetics (formerly Invitae), Labcorp
Classification: Likely pathogenic for Supravalvar aortic stenosis. Last evaluated: 2019-04-09. Review status: criteria provided, single submitter. Criteria: Invitae Variant Classification Sherloc (09022015). Collection method: clinical testing. Allele origin: germline.
Comment: This sequence change affects an acceptor splice site in intron 29 of the ELN gene. It is expected to disrupt RNA splicing and likely results in an absent or disrupted protein product. This variant is not present in population databases (ExAC no frequency). This variant has not been reported in the literature in individuals with ELN-related conditions. Algorithms developed to predict the effect of sequence changes on RNA splicing suggest that this variant may disrupt the consensus splice site, but this prediction has not been confirmed by published transcriptional studies. Donor and acceptor splice site variants typically lead to a loss of protein function (PMID: 16199547), and loss-of-function variants in ELN are known to be pathogenic (PMID: 11175284). In summary, the currently available evidence indicates that the variant is pathogenic, but additional data are needed to prove that conclusively. Therefore, this variant has been classified as Likely Pathogenic.

Literature cited by the submitters: PubMed 16199547; PubMed 11175284.

NM_000501.4(ELN):c.1919-1G>A

Gene: ELN (elastin; plus strand). Cytogenetic location: 7q11.23.
Variant type: single nucleotide variant.
Coding change: c.1919-1G>A on transcript NM_000501.4 (MANE Select); the canonical splice acceptor site of the intron before coding-DNA position 1919, G replaced by A.
Molecular consequence: splice acceptor variant.
Genome position (GRCh38, 1-based): chr7:74,063,620, G>A. VCF-style: chr7-74063620-G-A. GRCh37 (hg19) VCF-style: chr7-73477950-G-A.
Other names: c.1934-1G>A (NM_001081754.3); c.1877-1G>A (NM_001081753.3); c.2105-1G>A (NM_001278939.2); c.1937-1G>A (NM_001278915.2); c.1919-1G>A (NM_001278912.2); c.1862-1G>A (NM_001081755.3); c.1775-1G>A (NM_001278916.2); c.1676-1G>A (NM_001278913.2); and 4 more.
Identifiers: ClinVar variation 857053 (VCV000857053.8), dbSNP rs1797218441, ClinGen allele CA367890336.